The following is an entry in ClinVar:

NM_182961.4(SYNE1):c.20998A>T (p.Asn7000Tyr)

Gene: SYNE1 (spectrin repeat containing nuclear envelope protein 1; minus strand). Cytogenetic location: 6q25.2.
Variant type: single nucleotide variant.
Coding change: c.20998A>T on transcript NM_182961.4 (MANE Select); coding-DNA position 20998, A replaced by T.
Protein change: p.Asn7000Tyr; replaces asparagine 7000 with tyrosine.
Molecular consequence: missense variant.
Genome position (GRCh38, 1-based): chr6:152,231,432, T>A on the plus strand (A>T on the coding strand, the complement: SYNE1 is on the minus strand). VCF-style: chr6-152231432-T-A. GRCh37 (hg19) VCF-style: chr6-152552567-T-A.
Other names: p.Asn6929Tyr; c.20785A>T, p.Asn6929Tyr (NM_033071.5); short protein forms N7000Y, N6929Y.
Identifiers: ClinVar variation 4541239 (VCV004541239.1).
Genomic context (GRCh38, chr6:152,231,432, plus strand): 5'-TGGGAAGCCACTGGCTTACCTTCTCAGTTACTAGACCTTGCAGAATTTGCCAACTTTTAT[T>A]CATTGCTCCAAGTTGCTCAGCAAAATCAGTCTTATCACTACGCTTACTTTCCACATCCTG-3'
Protein context (NP_892006.3, residues 6990-7010): TDFAEQLGAM[Asn7000Tyr]KSWQILQGLV

ClinVar aggregate classification (germline): Uncertain significance (1 of 4 stars; one submission).

gnomAD v4.1: 9 of 1,614,068 alleles (0.00056%); highest among the groups gnomAD compares: East Asian, 0.0045%; no homozygotes.

Submission:

Mayo Clinic Laboratories, Mayo Clinic
Classification: Uncertain significance. Last evaluated: 2025-10-15. Review status: criteria provided, single submitter. Criteria: ACMG Guidelines, 2015. Collection method: clinical testing. Allele origin: germline. Observed: 1 variant allele.
Comment: PM2_supporting